The following is an entry in ClinVar:

NM_001378974.1(FBXW11):c.1393G>A (p.Glu465Lys)

Gene: FBXW11 (F-box and WD repeat domain containing 11; minus strand). Cytogenetic location: 5q35.1.
Variant type: single nucleotide variant.
Coding change: c.1393G>A on transcript NM_001378974.1 (MANE Select); coding-DNA position 1393, G replaced by A.
Protein change: p.Glu465Lys; replaces glutamic acid 465 with lysine.
Molecular consequence: missense variant.
Genome position (GRCh38, 1-based): chr5:171,870,806, C>T on the plus strand (G>A on the coding strand, the complement: FBXW11 is on the minus strand). VCF-style: chr5-171870806-C-T. GRCh37 (hg19) VCF-style: chr5-171297810-C-T.
Other names: c.1330G>A (NM_012300.2); c.1324G>A, p.Glu442Lys (NM_001378975.1); c.1297G>A, p.Glu433Lys (NM_001378976.1); c.1234G>A, p.Glu412Lys (NM_001378977.1, NM_001378978.1, NM_001378979.1); c.1228G>A, p.Glu410Lys (NM_001378980.1, NM_033645.3); c.1330G>A, p.Glu444Lys (NM_012300.3); c.1291G>A, p.Glu431Lys (NM_033644.3); short protein forms E410K, E412K, E431K, E433K, E442K, E444K, E465K.
Identifiers: ClinVar variation 1064510 (VCV001064510.3), dbSNP rs2113754835, ClinGen allele CA362212998.

ClinVar aggregate classification (germline): Likely pathogenic. Review status: criteria provided, multiple submitters, no conflicts (2 of 4 stars). 2 submissions from 2 submitters: Likely pathogenic (2). Last evaluated 2023-04-20.

Conditions:
Neurodevelopmental, jaw, eye, and digital syndrome (NEDJED). Identifiers: MedGen C5394477, MONDO:0030057, OMIM 618914.

Submissions (2):

Duke University Health System Sequencing Clinic, Duke University Health System
Classification: Likely pathogenic for Neurodevelopmental, jaw, eye, and digital syndrome. Last evaluated: 2023-04-20. Review status: criteria provided, single submitter. Criteria: ACMG Guidelines, 2015. Collection method: research. Allele origin: de novo. Affected: yes.

SIB Swiss Institute of Bioinformatics
Classification: Likely pathogenic for Neurodevelopmental, jaw, eye, and digital syndrome. Last evaluated: 2021-04-13. Review status: criteria provided, single submitter. Criteria: ACMG Guidelines, 2015. Collection method: curation. Allele origin: unknown.
Comment: This variant is interpreted as likely pathogenic for Neurodevelopmental, jaw, eye, and digital syndrome, autosomal dominant. The following ACMG Tag(s) were applied: Absent from controls (or at extremely low frequency if recessive) in Exome Sequencing Project, 1000 Genomes Project, or Exome Aggregation Consortium (PM2); De novo (paternity and maternity confirmed) (PS2 downgraded to moderate); Multiple lines of computational evidence support a deleterious effect on the gene or gene product (PP3); Missense variant in a gene that has a low rate of benign missense variation and in which missense variants are a common mechanism of disease (PP2).

Literature cited by the submitters: PubMed 31402090 (cited by Duke University Health System Sequencing Clinic, Duke University Health System and SIB Swiss Institute of Bioinformatics).